The following is an entry in ClinVar:

NM_005591.4(MRE11):c.1538A>T (p.Asn513Ile)

Gene: MRE11 (MRE11 double strand break repair nuclease; minus strand). Cytogenetic location: 11q21.
Variant type: single nucleotide variant.
Coding change: c.1538A>T on transcript NM_005591.4 (MANE Select); coding-DNA position 1538, A replaced by T.
Protein change: p.Asn513Ile; replaces asparagine 513 with isoleucine.
Molecular consequence: missense variant.
Genome position (GRCh38, 1-based): chr11:94,456,301, T>A on the plus strand (A>T on the coding strand, the complement: MRE11 is on the minus strand). VCF-style: chr11-94456301-T-A. GRCh37 (hg19) VCF-style: chr11-94189467-T-A.
Other names: c.1538A>T, p.Asn513Ile (NM_001330347.2, NM_005590.4); short protein forms N513I.
Identifiers: ClinVar variation 3397847 (VCV003397847.1).
Genomic context (GRCh38, chr11:94,456,301, plus strand): 5'-TATATAAACACAAGAATTTGCAGCAGAATAATTACCTCACGGACTTCATCATCTTCTTCA[T>A]TAGTATTTTTTTGTCTGGTTTCTCTGAAACGACGTACCTAGATCATAACAGAGTAAATCA-3'
Protein context (NP_005582.1, residues 503-523): RFRETRQKNT[Asn513Ile]EEDDEVREAM

ClinVar aggregate classification (germline): Uncertain significance (1 of 4 stars; one submission).

Conditions:
Hereditary cancer-predisposing syndrome. Also called: Hereditary Cancer Syndrome; Tumor predisposition; Hereditary neoplastic syndrome; Neoplastic Syndromes, Hereditary. Identifiers: Orphanet 140162, MedGen C0027672, MeSH D009386, MONDO:0015356.

Submission:

Ambry Genetics
Classification: Uncertain significance for Hereditary cancer-predisposing syndrome. Last evaluated: 2024-08-12. Review status: criteria provided, single submitter. Criteria: Ambry Variant Classification Scheme 2023. Collection method: clinical testing. Allele origin: germline.
Comment: The p.N513I variant (also known as c.1538A>T), located in coding exon 13 of the MRE11A gene, results from an A to T substitution at nucleotide position 1538. The asparagine at codon 513 is replaced by isoleucine, an amino acid with dissimilar properties. This amino acid position is conserved. In addition, this alteration is predicted to be tolerated by in silico analysis. Based on the available evidence, the clinical significance of this variant remains unclear.